The following is an entry in ClinVar:

NM_003647.3(DGKE):c.76del (p.Thr26fs)

Gene: DGKE (diacylglycerol kinase epsilon; plus strand). Cytogenetic location: 17q22.
Variant type: Deletion.
Coding change: c.76del on transcript NM_003647.3 (MANE Select); coding-DNA position 76, one base deleted (A; older notation c.76delA).
Protein change: p.Thr26fs; shifts the reading frame from threonine 26.
Molecular consequence: frameshift variant.
Genome position (GRCh38, 1-based): chr17:56,834,871, A deleted. VCF-style (leftmost placement, unchanged base first): chr17-56834870-GA-G. GRCh37 (hg19) VCF-style: chr17-54912231-GA-G.
Other names: short protein forms T26fs.
Identifiers: ClinVar variation 4280344 (VCV004280344.1).

ClinVar aggregate classification (germline): Pathogenic, low penetrance (1 of 4 stars; one submission).

Conditions:
Atypical hemolytic-uremic syndrome. Identifiers: Orphanet 2134, MedGen C2931788, MONDO:0016244.

Submission:

Genomenon, Inc
Classification: Pathogenic, low penetrance for Atypical hemolytic-uremic syndrome. Last evaluated: 2025-09-26. Review status: criteria provided, single submitter. Criteria: Genomenon Sequence Variant Interpretation Standards - Updated. Collection method: curation. Allele origin: germline. Affected: yes.
Comment: DGKE p.Thr26ArgfsTer143 (c.76del) is a frameshift variant that results in the production of a truncated protein that may be subject to nonsense-mediated mRNA decay. This variant has been observed in at least one proband affected with atypical hemolytic-uremic syndrome (PMID:28056875). It is absent or not present at a significant frequency in gnomAD. In conclusion, we classify DGKE p.Thr26ArgfsTer143 (c.76del) as a pathogenic, low penetrance variant.

Literature cited by the submitters: PubMed 28056875.